The following is an entry in ClinVar:

ClinVar aggregate classification (germline): Uncertain significance. Review status: criteria provided, multiple submitters, no conflicts (2 of 4 stars). 2 submissions from 2 submitters: Uncertain significance (2). Last evaluated 2024-08-25.

Conditions:
Cardiovascular phenotype. Identifiers: MedGen CN230736.
Desmin-related myofibrillar myopathy (MFM1). Also called: Desminopathy; Desmin related myopathy (former name); Desmin storage myopathy (former name); MYOFIBRILLAR MYOPATHY WITH ARRHYTHMOGENIC RIGHT VENTRICULAR CARDIOMYOPATHY; DESMIN-RELATED MYOPATHY WITH ARRHYTHMOGENIC RIGHT VENTRICULAR CARDIOMYOPATHY; Myofibrillar myopathy 1. Identifiers: Orphanet 363543, Orphanet 98909, MedGen C1832370, MONDO:0011076, OMIM 601419.

Submissions (2):

Ambry Genetics
Classification: Uncertain significance for Cardiovascular phenotype. Last evaluated: 2024-08-25. Review status: criteria provided, single submitter. Criteria: Ambry Variant Classification Scheme 2023. Collection method: clinical testing. Allele origin: germline.
Comment: The p.A337D variant (also known as c.1010C>A), located in coding exon 5 of the DES gene, results from a C to A substitution at nucleotide position 1010. The alanine at codon 337 is replaced by aspartic acid, an amino acid with dissimilar properties. This amino acid position is conserved. In addition, the in silico prediction for this alteration is inconclusive. Based on the available evidence, the clinical significance of this variant remains unclear.

Labcorp Genetics (formerly Invitae), Labcorp
Classification: Uncertain significance for Desmin-related myofibrillar myopathy. Last evaluated: 2022-08-30. Review status: criteria provided, single submitter. Criteria: Invitae Variant Classification Sherloc (09022015). Collection method: clinical testing. Allele origin: germline.
Comment: Algorithms developed to predict the effect of missense changes on protein structure and function are either unavailable or do not agree on the potential impact of this missense change (SIFT: "Tolerated"; PolyPhen-2: "Probably Damaging"; Align-GVGD: "Class C0"). In summary, the available evidence is currently insufficient to determine the role of this variant in disease. Therefore, it has been classified as a Variant of Uncertain Significance. ClinVar contains an entry for this variant (Variation ID: 1018580). This variant has not been reported in the literature in individuals affected with DES-related conditions. This variant is not present in population databases (gnomAD no frequency). This sequence change replaces alanine, which is neutral and non-polar, with aspartic acid, which is acidic and polar, at codon 337 of the DES protein (p.Ala337Asp).

NM_001927.4(DES):c.1010C>A (p.Ala337Asp)

Gene: DES (desmin; plus strand). Cytogenetic location: 2q35.
Variant type: single nucleotide variant.
Coding change: c.1010C>A on transcript NM_001927.4 (MANE Select); coding-DNA position 1010, C replaced by A.
Protein change: p.Ala337Asp; replaces alanine 337 with aspartic acid.
Molecular consequence: missense variant. On other transcripts: intron variant (1).
Genome position (GRCh38, 1-based): chr2:219,420,940, C>A. VCF-style: chr2-219420940-C-A. GRCh37 (hg19) VCF-style: chr2-220285662-C-A.
Other names: c.1007C>A, p.Ala336Asp (NM_001382708.1); c.1010C>A, p.Ala337Asp (NM_001382710.1, NM_001382711.1, NM_001382712.1); c.740C>A, p.Ala247Asp (NM_001382713.1); c.736-544C>A (NM_001382709.1); c.1010C>A (NM_001927.3); short protein forms A247D, A336D, A337D.
Identifiers: ClinVar variation 1018580 (VCV001018580.10), dbSNP rs1954429477, ClinGen allele CA350693328.